The following is an entry in ClinVar:

ClinVar aggregate classification (germline): Conflicting classifications of pathogenicity. Review status: criteria provided, conflicting classifications (1 of 4 stars). 3 submissions from 3 submitters: Uncertain significance (2); Likely benign (1). Last evaluated 2025-06-18.

Conditions:
Hypertrophic cardiomyopathy. Also called: HYPERTROPHIC MYOCARDIOPATHY. Identifiers: Orphanet 217569, MedGen C0007194, MeSH D002312, MONDO:0005045, HP:0001639.

Allele frequency attached by ClinVar (database versions not stated): gnomAD 0.00015; ESP Exome Variant Server 0.00017; 1000 Genomes Project 30x 0.00031; 1000 Genomes Project 0.00020; gnomAD exomes 0.00006; ExAC 0.00008; TOPMed 0.00012.
gnomAD v4.1: 53 of 1,611,476 alleles (0.0033%); highest among the groups gnomAD compares: African/African-American, 0.044%; no homozygotes.

Submissions (3):

Labcorp Genetics (formerly Invitae), Labcorp
Classification: Uncertain significance for Hypertrophic cardiomyopathy. Last evaluated: 2025-06-18. Review status: criteria provided, single submitter. Criteria: Invitae Variant Classification Sherloc (09022015). Collection method: clinical testing. Allele origin: germline.
Comment: This sequence change replaces glycine, which is neutral and non-polar, with arginine, which is basic and polar, at codon 543 of the MYOM1 protein (p.Gly543Arg). This variant is present in population databases (rs370063864, gnomAD 0.06%), and has an allele count higher than expected for a pathogenic variant. This variant has not been reported in the literature in individuals affected with MYOM1-related conditions. ClinVar contains an entry for this variant (Variation ID: 666729). Invitae Evidence Modeling of protein sequence and biophysical properties (such as structural, functional, and spatial information, amino acid conservation, physicochemical variation, residue mobility, and thermodynamic stability) indicates that this missense variant is expected to disrupt MYOM1 protein function with a positive predictive value of 80%. Algorithms developed to predict the effect of sequence changes on RNA splicing suggest that this variant may disrupt the consensus splice site. In summary, the available evidence is currently insufficient to determine the role of this variant in disease. Therefore, it has been classified as a Variant of Uncertain Significance.

Ambry Genetics
Classification: Uncertain significance. Last evaluated: 2024-04-04. Review status: criteria provided, single submitter. Criteria: Ambry Variant Classification Scheme 2023. Collection method: clinical testing. Allele origin: germline.

Laboratory for Molecular Medicine, Mass General Brigham Personalized Medicine
Classification: Likely benign. Last evaluated: 2018-10-10. Review status: criteria provided, single submitter. Criteria: LMM Criteria. Collection method: clinical testing. Allele origin: germline. Observed: 1 variant allele.
Comment: The p.Gly543Arg variant in MYOM1 is classified as likely benign because it has b een identified in 0.06% (14/23662) of African chromosomes by gnomAD. ACMG/AMP Criteria applied: BS1.

NM_003803.4(MYOM1):c.1627G>A (p.Gly543Arg)

Gene: MYOM1 (myomesin 1; minus strand). Cytogenetic location: 18p11.31.
Variant type: single nucleotide variant.
Coding change: c.1627G>A on transcript NM_003803.4 (MANE Select); coding-DNA position 1627, G replaced by A.
Protein change: p.Gly543Arg; replaces glycine 543 with arginine.
Molecular consequence: missense variant.
Genome position (GRCh38, 1-based): chr18:3,154,963, C>T on the plus strand (G>A on the coding strand, the complement: MYOM1 is on the minus strand). VCF-style: chr18-3154963-C-T. GRCh37 (hg19) VCF-style: chr18-3154961-C-T.
Other names: c.1627G>A, p.Gly543Arg (NM_019856.2); short protein forms G543R.
Identifiers: ClinVar variation 666729 (VCV000666729.17), dbSNP rs370063864, ClinGen allele CA8874902.
Genomic context (GRCh38, chr18:3,154,963, plus strand): 5'-TCTATGACCAAATAACTGTAATTGATGTTAGCCTAAGCACTAACTTATCAATAAAATATC[C>T]GAGAATAGGACTCCCTCCATCGACAGCTGGCTGTTTCCAGGAGATGATGATATAATCTTT-3'
Protein context (NP_003794.3, residues 533-553): PAVDGGSPIL[Gly543Arg]YFIDKCEVGT